The following is an entry in ClinVar:

NM_002230.4(JUP):c.1914C>T (p.Asn638=)

Gene: JUP (junction plakoglobin; minus strand). Cytogenetic location: 17q21.2.
Variant type: single nucleotide variant.
Coding change: c.1914C>T on transcript NM_002230.4 (MANE Select); coding-DNA position 1914, C replaced by T.
Protein change: p.Asn638=; no amino-acid change (asparagine 638 retained).
Molecular consequence: synonymous variant.
Genome position (GRCh38, 1-based): chr17:41,757,644, G>A on the plus strand (C>T on the coding strand, the complement: JUP is on the minus strand). VCF-style: chr17-41757644-G-A. GRCh37 (hg19) VCF-style: chr17-39913896-G-A.
Other names: c.1914C>T, p.Asn638= (NM_001352773.2, NM_001352774.2, NM_001352775.2 and 3 more transcripts).
Identifiers: ClinVar variation 227448 (VCV000227448.19), dbSNP rs368772249, ClinGen allele CA8565089.
Genomic context (GRCh38, chr17:41,757,644, plus strand): 5'-CATCGTGGCTGGGGGAGTGGGACCCAGCCTCCTGCCCTCCCCCAGCTCACCAGTGCCCTC[G>A]TTGCGGGAGTGCAGCAACTCCATGAGTGGGGCCGAGGCCCCCTCTGCATCAATGGCGTCG-3'
Protein context (NP_002221.1, residues 628-648): APLMELLHSR[Asn638=]EGTATYAAAV

ClinVar aggregate classification (germline): Likely benign. Review status: criteria provided, multiple submitters, no conflicts (2 of 4 stars). 5 submissions from 5 submitters: Likely benign (4). 1 of the submissions does not count toward it. Last evaluated 2026-01-28.

Conditions:
Arrhythmogenic right ventricular dysplasia 12. Also called: ARRHYTHMOGENIC RIGHT VENTRICULAR DYSPLASIA, FAMILIAL, 12. Identifiers: MedGen C1969081, MONDO:0012684, OMIM 611528.
Naxos disease (NXD). Also called: CARDIOMYOPATHY, ARRHYTHMOGENIC RIGHT VENTRICULAR, WITH SKIN, HAIR, AND NAIL ABNORMALITIES; KERATOSIS PALMOPLANTARIS WITH ARRHYTHMOGENIC CARDIOMYOPATHY; MAL DE NAXOS; PALMOPLANTAR KERATODERMA WITH ARRHYTHMOGENIC RIGHT VENTRICULAR CARDIOMYOPATHY AND WOOLLY HAIR; WOOLLY HAIR, PALMOPLANTAR KERATODERMA, AND CARDIAC ABNORMALITIES. Identifiers: Orphanet 34217, MedGen C1832600, MONDO:0011017, OMIM 601214.
JUP-related disorder. Also called: JUP-related condition.
Cardiovascular phenotype. Identifiers: MedGen CN230736.

Allele frequency attached by ClinVar (database versions not stated): ExAC 0.00002; gnomAD exomes 0.00002; TOPMed 0.00002; gnomAD 0.00004; ESP Exome Variant Server 0.00008.
gnomAD v4.1: 30 of 1,613,586 alleles (0.0019%); highest among the groups gnomAD compares: Middle Eastern, 0.016%; no homozygotes.

Submissions (5):

Labcorp Genetics (formerly Invitae), Labcorp
Classification: Likely benign for Arrhythmogenic right ventricular dysplasia 12; Naxos disease. Last evaluated: 2026-01-28. Review status: criteria provided, single submitter. Criteria: Invitae Variant Classification Sherloc (09022015). Collection method: clinical testing. Allele origin: germline.

Blueprint Genetics
Classification: Likely benign. Last evaluated: 2024-11-13. Review status: criteria provided, single submitter. Criteria: ACMG Guidelines, 2015. Collection method: clinical testing. Allele origin: germline.

Ambry Genetics
Classification: Likely benign for Cardiovascular phenotype. Last evaluated: 2019-08-10. Review status: criteria provided, single submitter. Criteria: Ambry Variant Classification Scheme 2023. Collection method: clinical testing. Allele origin: germline.

Laboratory for Molecular Medicine, Mass General Brigham Personalized Medicine
Classification: Likely benign. Last evaluated: 2014-12-18. Review status: criteria provided, single submitter. Criteria: LMM Criteria. Collection method: clinical testing. Allele origin: germline. Observed: 1 variant allele.
Comment: p.Asn638Asn in exon 11 of JUP: This variant is not expected to have clinical sig nificance because it does not alter an amino acid residue and is not located wit hin the splice consensus sequence. It has been identified in 1/8360 East Asian c hromosomes and 1/11158 Latino chromosomes by the Exome Aggregation Consortium (E xAC; dbSNP rs368772249).

PreventionGenetics, part of Exact Sciences
Classification: Likely benign for JUP-related condition. Last evaluated: 2019-06-18. Review status: no assertion criteria provided. Collection method: clinical testing. Allele origin: germline. Not counted in ClinVar's aggregate classification.
Comment: This variant is classified as likely benign based on ACMG/AMP sequence variant interpretation guidelines (Richards et al. 2015 PMID: 25741868, with internal and published modifications).